The following is an entry in ClinVar:

NM_207034.3(EDN3):c.254C>G (p.Ala85Gly)

Gene: EDN3 (endothelin 3; plus strand). Cytogenetic location: 20q13.32.
Variant type: single nucleotide variant.
Coding change: c.254C>G on transcript NM_207034.3 (MANE Select); coding-DNA position 254, C replaced by G.
Protein change: p.Ala85Gly; replaces alanine 85 with glycine.
Molecular consequence: missense variant.
Genome position (GRCh38, 1-based): chr20:59,301,611, C>G. VCF-style: chr20-59301611-C-G. GRCh37 (hg19) VCF-style: chr20-57876666-C-G.
Other names: c.254C>G, p.Ala85Gly (NM_001302455.2, NM_001302456.2, NM_001424361.1 and 4 more transcripts); c.254C>G (NM_207034.2); short protein forms A85G.
Identifiers: ClinVar variation 3274511 (VCV003274511.2).
Genomic context (GRCh38, chr20:59,301,611, plus strand): 5'-CTGTGGCCCCGACAGCACTGCAGGGTCCAAGCCCTGGAAGCCCTGGGCAGGAGCAGGCGG[C>G]CGAGGGGGCCCCTGAGCACCACCGATCCAGGCGCTGCACGTGCTTCACCTACAAGGACAA-3'
Protein context (NP_996917.1, residues 75-95): SPGSPGQEQA[Ala85Gly]EGAPEHHRSR

ClinVar aggregate classification (germline): Uncertain significance. Review status: criteria provided, single submitter (1 of 4 stars). 2 submissions from 2 submitters: Uncertain significance (1). 1 of the submissions does not count toward it. Last evaluated 2024-06-19.

Conditions:
EDN3-related disorder. Also called: EDN3-related condition.
Inborn genetic diseases. Identifiers: MedGen C0950123, MeSH D030342.

gnomAD v4.1: 26 of 1,614,054 alleles (0.0016%); highest among the groups gnomAD compares: African/African-American, 0.029%; no homozygotes.

Submissions (2):

Ambry Genetics
Classification: Uncertain significance for Inborn genetic diseases. Last evaluated: 2024-06-19. Review status: criteria provided, single submitter. Criteria: Ambry Variant Classification Scheme 2023. Collection method: clinical testing. Allele origin: germline.

PreventionGenetics, part of Exact Sciences
Classification: Uncertain significance for EDN3-related condition. Last evaluated: 2024-08-13. Review status: no assertion criteria provided. Collection method: clinical testing. Allele origin: germline. Not counted in ClinVar's aggregate classification.
Comment: The EDN3 c.254C>G variant is predicted to result in the amino acid substitution p.Ala85Gly. To our knowledge, this variant has not been reported in the literature. This variant is reported in 0.032% of alleles in individuals of African descent in gnomAD. At this time, the clinical significance of this variant is uncertain due to the absence of conclusive functional and genetic evidence.